The following is an entry in ClinVar:

ClinVar aggregate classification (germline): Uncertain significance (1 of 4 stars; one submission).

Conditions:
Tuberous sclerosis 1 (TSC1). Identifiers: Orphanet 805, MedGen C1854465, MONDO:0008612, OMIM 191100.

Submission:

Labcorp Genetics (formerly Invitae), Labcorp
Classification: Uncertain significance for Tuberous sclerosis 1. Last evaluated: 2023-11-01. Review status: criteria provided, single submitter. Criteria: Invitae Variant Classification Sherloc (09022015). Collection method: clinical testing. Allele origin: germline.
Comment: This sequence change replaces glycine, which is neutral and non-polar, with serine, which is neutral and polar, at codon 528 of the TSC1 protein (p.Gly528Ser). This variant is not present in population databases (gnomAD no frequency). This variant has not been reported in the literature in individuals affected with TSC1-related conditions. ClinVar contains an entry for this variant (Variation ID: 998901). Advanced modeling of protein sequence and biophysical properties (such as structural, functional, and spatial information, amino acid conservation, physicochemical variation, residue mobility, and thermodynamic stability) performed at Invitae indicates that this missense variant is not expected to disrupt TSC1 protein function with a negative predictive value of 95%. In summary, the available evidence is currently insufficient to determine the role of this variant in disease. Therefore, it has been classified as a Variant of Uncertain Significance.

NM_000368.5(TSC1):c.1582G>A (p.Gly528Ser)

Gene: TSC1 (TSC complex subunit 1; minus strand). Cytogenetic location: 9q34.13.
Variant type: single nucleotide variant.
Coding change: c.1582G>A on transcript NM_000368.5 (MANE Select); coding-DNA position 1582, G replaced by A.
Protein change: p.Gly528Ser; replaces glycine 528 with serine.
Molecular consequence: missense variant.
Genome position (GRCh38, 1-based): chr9:132,905,996, C>T on the plus strand (G>A on the coding strand, the complement: TSC1 is on the minus strand). VCF-style: chr9-132905996-C-T. GRCh37 (hg19) VCF-style: chr9-135781383-C-T.
Other names: c.1579G>A, p.Gly527Ser (NM_001162426.2); c.1429G>A, p.Gly477Ser (NM_001162427.2); c.1219G>A, p.Gly407Ser (NM_001362177.2); short protein forms G407S, G477S, G527S, G528S.
Identifiers: ClinVar variation 998901 (VCV000998901.8), dbSNP rs1845645876, ClinGen allele CA375364949.